The following is an entry in ClinVar:

NM_000492.4(CFTR):c.3004A>T (p.Ile1002Phe)

Genes: CFTR (CF transmembrane conductance regulator; plus strand), CFTR-AS2 (CFTR antisense RNA 2; minus strand), LOC111674472 (DNase I hypersensitive sites in introns 16 and 17a of CFTR; plus strand). Cytogenetic location: 7q31.2.
Variant type: single nucleotide variant.
Coding change: c.3004A>T on transcript NM_000492.4 (MANE Select); coding-DNA position 3004, A replaced by T.
Protein change: p.Ile1002Phe; replaces isoleucine 1002 with phenylalanine.
Molecular consequence: missense variant.
Genome position (GRCh38, 1-based): chr7:117,610,534, A>T. VCF-style: chr7-117610534-A-T. GRCh37 (hg19) VCF-style: chr7-117250588-A-T.
Other names: short protein forms I1002F.
Identifiers: ClinVar variation 4227376 (VCV004227376.1).

ClinVar aggregate classification (germline): Uncertain significance (1 of 4 stars; one submission).

Conditions:
Cystic fibrosis (CF). Also called: MUCOVISCIDOSIS. Identifiers: Orphanet 586, MedGen C0010674, MONDO:0009061, OMIM 219700. Disease mechanism: loss of function.

gnomAD v4.1: 1 of 1,612,972 alleles (0.000062%); highest among the groups gnomAD compares: East Asian, 0.0022%; no homozygotes.

Submission:

Ambry Genetics
Classification: Uncertain significance for Cystic fibrosis. Last evaluated: 2025-08-07. Review status: criteria provided, single submitter. Criteria: Ambry Variant Classification Scheme 2023. Collection method: clinical testing. Allele origin: germline.
Comment: The p.I1002F variant (also known as c.3004A>T), located in coding exon 19 of the CFTR gene, results from an A to T substitution at nucleotide position 3004. The isoleucine at codon 1002 is replaced by phenylalanine, an amino acid with highly similar properties. This amino acid position is not well conserved in available vertebrate species. In addition, the in silico prediction for this alteration is inconclusive. Based on the available evidence, the clinical significance of this variant remains unclear.